The following is an entry in ClinVar:

NM_006904.7(PRKDC):c.4001A>G (p.Lys1334Arg)

Gene: PRKDC (protein kinase, DNA-activated, catalytic subunit; minus strand). Cytogenetic location: 8q11.21.
Variant type: single nucleotide variant.
Coding change: c.4001A>G on transcript NM_006904.7 (MANE Select); coding-DNA position 4001, A replaced by G.
Protein change: p.Lys1334Arg; replaces lysine 1334 with arginine.
Molecular consequence: missense variant.
Genome position (GRCh38, 1-based): chr8:47,890,327, T>C on the plus strand (A>G on the coding strand, the complement: PRKDC is on the minus strand). VCF-style: chr8-47890327-T-C. GRCh37 (hg19) VCF-style: chr8-48802888-T-C.
Other names: c.4001A>G, p.Lys1334Arg (NM_001081640.2); short protein forms K1334R.
Identifiers: ClinVar variation 3425285 (VCV003425285.1).

ClinVar aggregate classification (germline): Uncertain significance (1 of 4 stars; one submission).

gnomAD v4.1: 1 of 1,613,444 alleles (0.000062%); highest among the groups gnomAD compares: Non-Finnish European, 0.000085%; no homozygotes.

Submission:

Ambry Genetics
Classification: Uncertain significance. Last evaluated: 2024-08-05. Review status: criteria provided, single submitter. Criteria: Ambry Variant Classification Scheme 2023. Collection method: clinical testing. Allele origin: germline.
Comment: The p.K1334R variant (also known as c.4001A>G), located in coding exon 32 of the PRKDC gene, results from an A to G substitution at nucleotide position 4001. The lysine at codon 1334 is replaced by arginine, an amino acid with highly similar properties. This amino acid position is conserved. Based on the available evidence, the clinical significance of this variant remains unclear.